The following is an entry in ClinVar:

NM_001083961.2(WDR62):c.390+7C>T

Gene: WDR62 (WD repeat domain 62; plus strand). Cytogenetic location: 19q13.12.
Variant type: single nucleotide variant.
Coding change: c.390+7C>T on transcript NM_001083961.2 (MANE Select); 7 bases into the intron after coding-DNA position 390, C replaced by T.
Molecular consequence: intron variant.
Genome position (GRCh38, 1-based): chr19:36,066,022, C>T. VCF-style: chr19-36066022-C-T. GRCh37 (hg19) VCF-style: chr19-36556924-C-T.
Other names: c.390+7C>T (NM_173636.5).
Identifiers: ClinVar variation 378857 (VCV000378857.12), dbSNP rs759572399, ClinGen allele CA9395257.

ClinVar aggregate classification (germline): Likely benign. Review status: criteria provided, multiple submitters, no conflicts (2 of 4 stars). 3 submissions from 3 submitters: Likely benign (3). Last evaluated 2025-07-24.

Allele frequency attached by ClinVar (database versions not stated): ExAC 0.00002; gnomAD exomes 0.00002 and 0.00006; gnomAD 0.00015 and 0.00016; TOPMed 0.00029.
gnomAD v4.1: 117 of 1,613,936 alleles (0.0072%); highest among the groups gnomAD compares: Admixed American, 0.037%; 1 homozygote.

Submissions (3):

Labcorp Genetics (formerly Invitae), Labcorp
Classification: Likely benign. Last evaluated: 2025-07-24. Review status: criteria provided, single submitter. Criteria: Invitae Variant Classification Sherloc (09022015). Collection method: clinical testing. Allele origin: germline.

Genetic Services Laboratory, University of Chicago
Classification: Likely benign. Last evaluated: 2019-07-09. Review status: criteria provided, single submitter. Criteria: ACMG Guidelines, 2015. Collection method: clinical testing. Allele origin: germline. Affected: no.

GeneDx
Classification: Likely benign. Last evaluated: 2016-01-20. Review status: criteria provided, single submitter. Criteria: GeneDx Variant Classification (06012015). Collection method: clinical testing. Allele origin: germline. Affected: yes.
Comment: This variant is considered likely benign or benign based on one or more of the following criteria: it is a conservative change, it occurs at a poorly conserved position in the protein, it is predicted to be benign by multiple in silico algorithms, and/or has population frequency not consistent with disease.